The following is an entry in ClinVar:

NM_001308210.2(TSHZ1):c.722C>T (p.Thr241Met)

Gene: TSHZ1 (teashirt zinc finger homeobox 1; plus strand). Cytogenetic location: 18q22.3.
Variant type: single nucleotide variant.
Coding change: c.722C>T on transcript NM_001308210.2 (MANE Select); coding-DNA position 722, C replaced by T.
Protein change: p.Thr241Met; replaces threonine 241 with methionine.
Molecular consequence: missense variant.
Genome position (GRCh38, 1-based): chr18:75,286,129, C>T. VCF-style: chr18-75286129-C-T. GRCh37 (hg19) VCF-style: chr18-72998084-C-T.
Other names: c.587C>T, p.Thr196Met (NM_005786.6); short protein forms T196M, T241M.
Identifiers: ClinVar variation 4986084 (VCV004986084.1).

ClinVar aggregate classification (germline): Uncertain significance (1 of 4 stars; one submission).

Conditions:
TSHZ1-related disorder. Also called: TSHZ1-related condition.

gnomAD v4.1: 29 of 1,613,086 alleles (0.0018%); highest among the groups gnomAD compares: East Asian, 0.0045%; no homozygotes.

Submission:

PreventionGenetics, part of Exact Sciences
Classification: Uncertain significance for TSHZ1-related condition. Last evaluated: 2026-07-13. Review status: criteria provided, single submitter. Criteria: ACMG Guidelines, 2015. Collection method: clinical testing. Allele origin: germline.
Comment: The TSHZ1 c.587C>T variant is predicted to result in the amino acid substitution p.Thr196Met. To our knowledge, this variant has not been reported in the literature. This variant is reported in 0.0046% of alleles in individuals of European (Finnish) descent in gnomAD. At this time, the clinical significance of this variant is uncertain due to the absence of conclusive functional and genetic evidence.